The following is an entry in ClinVar:

NM_000051.4(ATM):c.185+6C>T

Gene: ATM (ATM serine/threonine kinase; plus strand). Cytogenetic location: 11q22.3.
Variant type: single nucleotide variant.
Coding change: c.185+6C>T on transcript NM_000051.4 (MANE Select); 6 bases into the intron after coding-DNA position 185, C replaced by T.
Molecular consequence: intron variant.
Genome position (GRCh38, 1-based): chr11:108,227,894, C>T. VCF-style: chr11-108227894-C-T. GRCh37 (hg19) VCF-style: chr11-108098621-C-T.
Other names: c.185+6C>T (NM_001351834.2, NM_001351835.2, NM_001351836.2).
Identifiers: ClinVar variation 952074 (VCV000952074.14), dbSNP rs1555054299, ClinGen allele CA1139662249.

ClinVar aggregate classification (germline): Conflicting classifications of pathogenicity. Review status: criteria provided, conflicting classifications (1 of 4 stars). 4 submissions from 4 submitters: Uncertain significance (2); Likely benign (1). 1 of the submissions does not count toward it. Last evaluated 2025-12-20.

Conditions:
Ataxia-telangiectasia syndrome (AT). Also called: LOUIS-BAR SYNDROME; Ataxia telangiectasia (A-T); Cerebello-oculocutaneous telangiectasia; Immunodeficiency with ataxia telangiectasia; ATAXIA-TELANGIECTASIA, COMPLEMENTATION GROUP A; ATAXIA-TELANGIECTASIA, FRESNO VARIANT. Identifiers: Orphanet 100, MedGen C0004135, MONDO:0008840, OMIM 208900.
Familial cancer of breast. Also called: Hereditary breast cancer; hereditary breast carcinoma; BREAST CANCER, FAMILIAL. Identifiers: Orphanet 227535, MedGen C0346153, MONDO:0016419, OMIM 114480. Disease mechanism: loss of function.

Submissions (4):

Labcorp Genetics (formerly Invitae), Labcorp
Classification: Uncertain significance for Ataxia-telangiectasia syndrome. Last evaluated: 2025-12-20. Review status: criteria provided, single submitter. Criteria: Invitae Variant Classification Sherloc (09022015). Collection method: clinical testing. Allele origin: germline.
Comment: This sequence change falls in intron 3 of the ATM gene. It does not directly change the encoded amino acid sequence of the ATM protein. It affects a nucleotide within the consensus splice site. This variant is not present in population databases (gnomAD no frequency). This variant has not been reported in the literature in individuals affected with ATM-related conditions. ClinVar contains an entry for this variant (Variation ID: 952074). Variants that disrupt the consensus splice site are a relatively common cause of aberrant splicing (PMID: 17576681, 9536098). Algorithms developed to predict the effect of sequence changes on RNA splicing suggest that this variant is not likely to affect RNA splicing. In summary, the available evidence is currently insufficient to determine the role of this variant in disease. Therefore, it has been classified as a Variant of Uncertain Significance.

Quest Diagnostics Nichols Institute San Juan Capistrano
Classification: Uncertain significance. Last evaluated: 2025-10-24. Review status: criteria provided, single submitter. Criteria: Quest Diagnostics criteria. Collection method: clinical testing. Allele origin: unknown.

Myriad Genetics, Inc.
Classification: Likely benign for Familial cancer of breast. Last evaluated: 2024-04-17. Review status: criteria provided, single submitter. Criteria: Myriad Autosomal Dominant, Autosomal Recessive and X-Linked Classification Criteria (2023). Collection method: clinical testing. Allele origin: unknown.
Comment: This variant is considered likely benign. This variant is intronic and is not expected to impact mRNA splicing.

Natera, Inc.
Classification: Uncertain significance for Ataxia-telangiectasia. Last evaluated: 2021-05-23. Review status: no assertion criteria provided. Collection method: clinical testing. Allele origin: germline. Not counted in ClinVar's aggregate classification.

Literature cited by the submitters: PubMed 17576681 (cited by Labcorp Genetics (formerly Invitae), Labcorp); PubMed 9536098 (cited by Labcorp Genetics (formerly Invitae), Labcorp).